The following is an entry in ClinVar:

ClinVar aggregate classification (germline): Uncertain significance (1 of 4 stars; one submission).

Conditions:
Norman-Roberts syndrome (LIS2). Also called: Lissencephaly 2 (Norman-Roberts type). Identifiers: Orphanet 89844, MedGen C0796089, MONDO:0009760, OMIM 257320.
Familial temporal lobe epilepsy 7. Identifiers: Orphanet 101046, MedGen C4225327, MONDO:0014639, OMIM 616436.

Submission:

Labcorp Genetics (formerly Invitae), Labcorp
Classification: Uncertain significance for Familial temporal lobe epilepsy 7; Norman-Roberts syndrome. Last evaluated: 2026-01-21. Review status: criteria provided, single submitter. Criteria: Invitae Variant Classification Sherloc (09022015). Collection method: clinical testing. Allele origin: germline.
Comment: This sequence change replaces asparagine, which is neutral and polar, with histidine, which is basic and polar, at codon 551 of the RELN protein (p.Asn551His). This variant is not present in population databases (gnomAD no frequency). This variant has not been reported in the literature in individuals affected with RELN-related conditions. Invitae Evidence Modeling of protein sequence and biophysical properties (such as structural, functional, and spatial information, amino acid conservation, physicochemical variation, residue mobility, and thermodynamic stability) indicates that this missense variant is not expected to disrupt RELN protein function with a negative predictive value of 80%. In summary, the available evidence is currently insufficient to determine the role of this variant in disease. Therefore, it has been classified as a Variant of Uncertain Significance.

NM_005045.4(RELN):c.1651A>C (p.Asn551His)

Gene: RELN (reelin; minus strand). Cytogenetic location: 7q22.1.
Variant type: single nucleotide variant.
Coding change: c.1651A>C on transcript NM_005045.4 (MANE Select); coding-DNA position 1651, A replaced by C.
Protein change: p.Asn551His; replaces asparagine 551 with histidine.
Molecular consequence: missense variant.
Genome position (GRCh38, 1-based): chr7:103,652,663, T>G on the plus strand (A>C on the coding strand, the complement: RELN is on the minus strand). VCF-style: chr7-103652663-T-G. GRCh37 (hg19) VCF-style: chr7-103293110-T-G.
Other names: c.1651A>C, p.Asn551His (NM_173054.3); short protein forms N551H.
Identifiers: ClinVar variation 4792487 (VCV004792487.1).
Genomic context (GRCh38, chr7:103,652,663, plus strand): 5'-TGTGAGACATTGTAGAAGGGAGAACAGGCAAGACATGGAAAAAGTCTACAGCCCAGACAT[T>G]CCTATTATGTCCTTGATGGTTCTTTTGCCTGAGACAAAATTTGGTAGCAGGAGTCTGAAG-3'
Protein context (NP_005036.2, residues 541-561): RQKNHQGHNR[Asn551His]VWAVDFFHVL